The following is an entry in ClinVar:

ClinVar aggregate classification (germline): Uncertain significance. Review status: criteria provided, multiple submitters, no conflicts (2 of 4 stars). 2 submissions from 2 submitters: Uncertain significance (2). Last evaluated 2026-08-06.

Submissions (2):

OLLIN Analises Genomicas, OLLIN
Classification: Uncertain significance. Last evaluated: 2026-08-06. Review status: criteria provided, single submitter. Criteria: ACMG Guidelines 2015 PMID 25741868. Collection method: clinical testing. Allele origin: germline.
Comment: This missense variant, located in exon 15 (of 15), is absent from gnomAD and has not been identified in the literature. However, it has been reported in ClinVar (accession VCV002008461.4). In silico analysis predicts that this variant has a tolerated effect. According to the currently available evidence, this variant has been classified as uncertain significance (PM2_P, BP4_M).

Labcorp Genetics (formerly Invitae), Labcorp
Classification: Uncertain significance. Last evaluated: 2022-08-22. Review status: criteria provided, single submitter. Criteria: Invitae Variant Classification Sherloc (09022015). Collection method: clinical testing. Allele origin: germline.
Comment: In summary, the available evidence is currently insufficient to determine the role of this variant in disease. Therefore, it has been classified as a Variant of Uncertain Significance. Algorithms developed to predict the effect of missense changes on protein structure and function are either unavailable or do not agree on the potential impact of this missense change (SIFT: "Tolerated"; PolyPhen-2: "Not Available"; Align-GVGD: "Class C0"). This variant has not been reported in the literature in individuals affected with ACY1-related conditions. This variant is not present in population databases (gnomAD no frequency). This sequence change replaces serine, which is neutral and polar, with isoleucine, which is neutral and non-polar, at codon 406 of the ACY1 protein (p.Ser406Ile).

NM_000666.3(ACY1):c.1217G>T (p.Ser406Ile)

Genes: ABHD14A-ACY1 (ABHD14A-ACY1 readthrough; plus strand), ACY1 (aminoacylase 1; plus strand). Cytogenetic location: 3p21.2.
Variant type: single nucleotide variant.
Coding change: c.1217G>T on transcript NM_000666.3 (MANE Select); coding-DNA position 1217, G replaced by T.
Protein change: p.Ser406Ile; replaces serine 406 with isoleucine.
Molecular consequence: missense variant.
Genome position (GRCh38, 1-based): chr3:51,989,065, G>T. VCF-style: chr3-51989065-G-T. GRCh37 (hg19) VCF-style: chr3-52023081-G-T.
Other names: c.1487G>T, p.Ser496Ile (NM_001316331.2); c.1217G>T, p.Ser406Ile (NM_001198895.2); c.1001G>T, p.Ser334Ile (NM_001198896.2); c.1022G>T, p.Ser341Ile (NM_001198897.2); c.1112G>T, p.Ser371Ile (NM_001198898.2); short protein forms S334I, S496I, S406I, S341I, S371I.
Identifiers: ClinVar variation 2008461 (VCV002008461.5), dbSNP rs1194568745, ClinGen allele CA353095468.